The following is an entry in ClinVar:

ClinVar aggregate classification (germline): Pathogenic/Likely pathogenic. Review status: criteria provided, multiple submitters, no conflicts (2 of 4 stars). 11 submissions from 11 submitters: Pathogenic (7); Likely pathogenic (3). 1 of the submissions does not count toward it. Last evaluated 2026-02-09.

Conditions:
Smith-Lemli-Opitz syndrome (SLOS). Also called: 7-Dehydrocholesterol reductase deficiency; LETHAL ACRODYSGENITAL SYNDROME; POLYDACTYLY, SEX REVERSAL, RENAL HYPOPLASIA, AND UNILOBAR LUNG; RSH SYNDROME; RUTLEDGE LETHAL MULTIPLE CONGENITAL ANOMALY SYNDROME. Identifiers: Orphanet 818, MedGen C0175694, MONDO:0010035, OMIM 270400.
DHCR7-related disorder. Also called: DHCR7-related condition.
Fetal anomalies with a likely genetic cause.

Allele frequency attached by ClinVar (database versions not stated): gnomAD 0.00001; TOPMed 0.00001; gnomAD exomes 0.00003 and 0.00004; ExAC 0.00007.
gnomAD v4.1: 44 of 1,614,078 alleles (0.0027%); highest among the groups gnomAD compares: Non-Finnish European, 0.0033%; no homozygotes.

Submissions (11):

Genetics Laboratory, Great Ormond Street Hospital NHS Foundation Trust, North Thames Genomic Laboratory Hub
Classification: Likely pathogenic for Fetal anomalies with a likely genetic cause. Last evaluated: 2026-02-09. Review status: criteria provided, single submitter. Criteria: ACGS Best Practice Guidelines for Variant Classification in Rare Disease 2024 v1.2. Collection method: clinical testing. Allele origin: germline. Affected: yes.
Comment: PM2_moderate, PP3_supporting, PM3_strong

Labcorp Genetics (formerly Invitae), Labcorp
Classification: Pathogenic for Smith-Lemli-Opitz syndrome. Last evaluated: 2026-01-11. Review status: criteria provided, single submitter. Criteria: Invitae Variant Classification Sherloc (09022015). Collection method: clinical testing. Allele origin: germline.
Comment: This sequence change replaces leucine, which is neutral and non-polar, with proline, which is neutral and non-polar, at codon 157 of the DHCR7 protein (p.Leu157Pro). This variant is present in population databases (rs753960624, gnomAD 0.01%). This missense change has been observed in individual(s) with Smith–Lemli–Opitz syndrome (PMID: 9653161, 15521979, 15805162, 20556518). In at least one individual the data is consistent with being in trans (on the opposite chromosome) from a pathogenic variant. ClinVar contains an entry for this variant (Variation ID: 488492). Invitae Evidence Modeling of protein sequence and biophysical properties (such as structural, functional, and spatial information, amino acid conservation, physicochemical variation, residue mobility, and thermodynamic stability) indicates that this missense variant is expected to disrupt DHCR7 protein function with a positive predictive value of 95%. For these reasons, this variant has been classified as Pathogenic.

CeGaT Center for Human Genetics Tuebingen
Classification: Pathogenic. Last evaluated: 2025-08-01. Review status: criteria provided, single submitter. Criteria: CeGaT Center For Human Genetics Tuebingen Variant Classification Criteria Version 2. Collection method: clinical testing. Allele origin: germline. Affected: yes. Observed: 1 variant allele.
Comment: DHCR7: PM3:Very Strong, PM2, PP3

Natera, Inc.
Classification: Pathogenic for Smith-Lemli-Opitz syndrome. Last evaluated: 2025-07-28. Review status: criteria provided, single submitter. Criteria: Natera Variant Classification Schema (03/2026). Collection method: clinical testing. Allele origin: germline.
Comment: The c.470T>C variant in DHCR7 is a missense variant predicted to cause substitution of leucine to proline at amino acid 157. This variant is rare in the general population with a frequency below the threshold expected for the associated phenotype(s). This variant has been observed in one or more individuals affected with the associated recessive disease, as either homozygous or compound heterozygous with a second variant (PMID: 15521979). Computational prediction algorithms indicate this variant is likely to affect gene or protein function. Given the available evidence, this variant is classified as Pathogenic.

Fulgent Genetics
Classification: Pathogenic for Smith-Lemli-Opitz syndrome. Last evaluated: 2024-06-04. Review status: criteria provided, single submitter. Criteria: ACMG Guidelines, 2015. Collection method: clinical testing. Allele origin: germline.

Blueprint Genetics
Classification: Likely pathogenic for DHCR7-related disorders. Last evaluated: 2024-01-15. Review status: criteria provided, single submitter. Criteria: ACMG Guidelines, 2015. Collection method: clinical testing. Allele origin: germline. Affected: yes. Observed: 5 variant alleles.

GeneDx
Classification: Pathogenic. Last evaluated: 2022-08-11. Review status: criteria provided, single submitter. Criteria: GeneDx Variant Classification Process June 2021. Collection method: clinical testing. Allele origin: germline. Affected: yes.
Comment: Not observed at a significant frequency in large population cohorts (gnomAD); In silico analysis supports that this missense variant has a deleterious effect on protein structure/function; This variant is associated with the following publications: (PMID: 22975760, 15521979, 16497572, 9653161, 15805162, 23042628, 20556518, 10677299, 12914579, 11111101, 10896306, 31589614)

Women's Health and Genetics/Laboratory Corporation of America, LabCorp
Classification: Pathogenic for Smith-Lemli-Opitz syndrome. Last evaluated: 2022-06-30. Review status: criteria provided, single submitter. Criteria: LabCorp Variant Classification Summary - May 2015. Collection method: clinical testing. Allele origin: germline.
Comment: Variant summary: DHCR7 c.470T>C (p.Leu157Pro) results in a non-conservative amino acid change located in the TM3 Transmembrane domain (Rdyska-witkowska_2021) of the encoded protein sequence. Five of five in-silico tools predict a damaging effect of the variant on protein function. The variant allele was found at a frequency of 4.4e-05 in 250270 control chromosomes (gnomAD). This frequency is not higher than expected for a pathogenic variant in DHCR7 causing Smith-Lemli-Opitz Syndrome (4.4e-05 vs 0.0043), allowing no conclusion about variant significance. c.470T>C has been reported in the literature in multiple homozygous and compound heterozygous individuals affected with Smith-Lemli-Opitz Syndrome (example, Rdyska-witkowska_2021 and Ciara_2004). These data indicate that the variant is very likely to be associated with disease. To our knowledge, no experimental evidence demonstrating an impact on protein function has been reported. Six submitters have provided clinical-significance assessments for this variant to ClinVar after 2014 and all classified the variant as pathogenic (n=3) and likely pathogenic (n=2). Based on the evidence outlined above, the variant was classified as pathogenic.

Institute of Human Genetics Munich, TUM University Hospital
Classification: Pathogenic for Smith-Lemli-Opitz syndrome. Last evaluated: 2017-11-08. Review status: criteria provided, single submitter. Criteria: Classification criteria August 2017. Collection method: clinical testing. Allele origin: germline. Inheritance: Autosomal recessive inheritance. Affected: yes. Observed: 1 compound heterozygote.

Eurofins Ntd Llc (ga)
Classification: Likely pathogenic. Last evaluated: 2016-10-21. Review status: criteria provided, single submitter. Criteria: EGL Classification Definitions 2015. Collection method: clinical testing. Allele origin: germline. Observed: 1 variant allele, 1 heterozygote.

Counsyl
Classification: Likely pathogenic for Smith-Lemli-Opitz syndrome. Last evaluated: 2017-08-29. Review status: no assertion criteria provided. Collection method: clinical testing. Allele origin: unknown. Not counted in ClinVar's aggregate classification.

Literature cited by the submitters: PubMed 9653161 (cited by Labcorp Genetics (formerly Invitae), Labcorp); PubMed 15521979 (cited by 4 submitters); PubMed 15805162 (cited by Labcorp Genetics (formerly Invitae), Labcorp); PubMed 20556518 (cited by Labcorp Genetics (formerly Invitae), Labcorp); PubMed 33890232 (cited by Women's Health and Genetics/Laboratory Corporation of America, LabCorp).

NM_001360.3(DHCR7):c.470T>C (p.Leu157Pro)

Gene: DHCR7 (7-dehydrocholesterol reductase; minus strand). Cytogenetic location: 11q13.4.
Variant type: single nucleotide variant.
Coding change: c.470T>C on transcript NM_001360.3 (MANE Select); coding-DNA position 470, T replaced by C.
Protein change: p.Leu157Pro; replaces leucine 157 with proline.
Molecular consequence: missense variant.
Genome position (GRCh38, 1-based): chr11:71,441,383, A>G on the plus strand (T>C on the coding strand, the complement: DHCR7 is on the minus strand). VCF-style: chr11-71441383-A-G. GRCh37 (hg19) VCF-style: chr11-71152429-A-G.
Other names: c.470T>C, p.Leu157Pro (NM_001163817.2); short protein forms L157P.
Identifiers: ClinVar variation 488492 (VCV000488492.39), dbSNP rs753960624, ClinGen allele CA6162556.